The following is an entry in ClinVar:

ClinVar aggregate classification (germline): Uncertain significance (1 of 4 stars; one submission).

Conditions:
Gorlin syndrome. Also called: Nevoid Basal Cell Carcinoma Syndrome; Basal cell nevus syndrome. Identifiers: Orphanet 377, MedGen C0004779, MONDO:0007187.

Submission:

Labcorp Genetics (formerly Invitae), Labcorp
Classification: Uncertain significance for Gorlin syndrome. Last evaluated: 2024-10-23. Review status: criteria provided, single submitter. Criteria: Invitae Variant Classification Sherloc (09022015). Collection method: clinical testing. Allele origin: germline.
Comment: This sequence change replaces proline, which is neutral and non-polar, with histidine, which is basic and polar, at codon 1125 of the PTCH1 protein (p.Pro1125His). This variant is not present in population databases (gnomAD no frequency). This variant has not been reported in the literature in individuals affected with PTCH1-related conditions. Invitae Evidence Modeling of protein sequence and biophysical properties (such as structural, functional, and spatial information, amino acid conservation, physicochemical variation, residue mobility, and thermodynamic stability) has been performed for this missense variant. However, the output from this modeling did not meet the statistical confidence thresholds required to predict the impact of this variant on PTCH1 protein function. In summary, the available evidence is currently insufficient to determine the role of this variant in disease. Therefore, it has been classified as a Variant of Uncertain Significance.

NM_000264.5(PTCH1):c.3374C>A (p.Pro1125His)

Gene: PTCH1 (patched 1; minus strand). Cytogenetic location: 9q22.32.
Variant type: single nucleotide variant.
Coding change: c.3374C>A on transcript NM_000264.5 (MANE Select); coding-DNA position 3374, C replaced by A.
Protein change: p.Pro1125His; replaces proline 1125 with histidine.
Molecular consequence: missense variant. On other transcripts: non-coding transcript variant (1).
Genome position (GRCh38, 1-based): chr9:95,453,553, G>T on the plus strand (C>A on the coding strand, the complement: PTCH1 is on the minus strand). VCF-style: chr9-95453553-G-T. GRCh37 (hg19) VCF-style: chr9-98215835-G-T.
Other names: c.3176C>A, p.Pro1059His (NM_001083602.3); c.3371C>A, p.Pro1124His (NM_001083603.3); c.2921C>A, p.Pro974His (NM_001083604.3, NM_001083605.3, NM_001083606.3 and 1 more transcripts); c.3218C>A, p.Pro1073His (NM_001354918.2); short protein forms P1059H, P1073H, P1124H, P1125H, P974H.
Identifiers: ClinVar variation 3652958 (VCV003652958.2).